The following is an entry in ClinVar:

NM_015065.3(EXPH5):c.4590A>G (p.Leu1530=)

Gene: EXPH5 (exophilin 5; minus strand). Cytogenetic location: 11q22.3.
Variant type: single nucleotide variant.
Coding change: c.4590A>G on transcript NM_015065.3 (MANE Select); coding-DNA position 4590, A replaced by G.
Protein change: p.Leu1530=; no amino-acid change (leucine 1530 retained).
Molecular consequence: synonymous variant.
Genome position (GRCh38, 1-based): chr11:108,510,917, T>C on the plus strand (A>G on the coding strand, the complement: EXPH5 is on the minus strand). VCF-style: chr11-108510917-T-C. GRCh37 (hg19) VCF-style: chr11-108381644-T-C.
Other names: c.4362A>G, p.Leu1454= (NM_001144763.2); c.4122A>G, p.Leu1374= (NM_001144764.2); c.4026A>G, p.Leu1342= (NM_001144765.2); c.4569A>G, p.Leu1523= (NM_001308019.2).
Identifiers: ClinVar variation 1248929 (VCV001248929.13), dbSNP rs79942405, ClinGen allele CA6267496.
Genomic context (GRCh38, chr11:108,510,917, plus strand): 5'-TGTCATATTTGCCTCCTGACTTCTTTGAGGTAATTCTCTTGGTTCAGACTGCAGACTCTC[T>C]AAGTTTGGTTCATCTGACTGAGTCTCCTCACCAAGCTGTAGTTTATGCAATGCTGGAGTA-3'
Protein context (NP_055880.2, residues 1520-1540): GEETQSDEPN[Leu1530=]ESLQSEPREL

ClinVar aggregate classification (germline): Benign. Review status: criteria provided, multiple submitters, no conflicts (2 of 4 stars). 4 submissions from 4 submitters: Benign (3). 1 of the submissions does not count toward it. Last evaluated 2026-01-08.

Conditions:
EXPH5-related disorder. Also called: EXPH5-related condition.

Allele frequency attached by ClinVar (database versions not stated): TOPMed 0.02125; gnomAD 0.02475 and 0.02388; 1000 Genomes Project 0.01917; gnomAD exomes 0.02972 and 0.03372; 1000 Genomes Project 30x 0.01796; ExAC 0.02958; ESP Exome Variant Server 0.02670.
gnomAD v4.1: 52,962 of 1,614,174 alleles (3.3%); highest among the groups gnomAD compares: South Asian, 5.8%; 1,103 homozygotes.

Submissions (4):

Labcorp Genetics (formerly Invitae), Labcorp
Classification: Benign. Last evaluated: 2026-01-08. Review status: criteria provided, single submitter. Criteria: Invitae Variant Classification Sherloc (09022015). Collection method: clinical testing. Allele origin: germline.

GeneDx
Classification: Benign. Last evaluated: 2021-05-04. Review status: criteria provided, single submitter. Criteria: GeneDx Variant Classification Process June 2021. Collection method: clinical testing. Allele origin: germline. Affected: yes.

Breakthrough Genomics
Classification: Benign. Review status: criteria provided, single submitter. Criteria: ACMG Guidelines, 2015. Collection method: not provided. Allele origin: germline. Inheritance: Autosomal recessive inheritance. Affected: yes.

PreventionGenetics, part of Exact Sciences
Classification: Benign for EXPH5-related condition. Last evaluated: 2023-12-19. Review status: no assertion criteria provided. Collection method: clinical testing. Allele origin: germline. Not counted in ClinVar's aggregate classification.
Comment: This variant is classified as benign based on ACMG/AMP sequence variant interpretation guidelines (Richards et al. 2015 PMID: 25741868, with internal and published modifications).